The following is an entry in ClinVar:

ClinVar aggregate classification (germline): Uncertain significance (1 of 4 stars; one submission).

Conditions:
Mucopolysaccharidosis, MPS-III-B (MPS3B). Also called: N-ACETYL-ALPHA-D-GLUCOSAMINIDASE DEFICIENCY; NAGLU DEFICIENCY; SANFILIPPO SYNDROME B; MPS III B; MPS IIIB (Sanfilippo Syndrome Type B); MUCOPOLYSACCHARIDOSIS, TYPE IIIB. Identifiers: Orphanet 79270, MedGen C0086648, MONDO:0009656, OMIM 252920.
Charcot-Marie-Tooth disease axonal type 2V. Also called: CHARCOT-MARIE-TOOTH NEUROPATHY, TYPE 2V; CHARCOT-MARIE-TOOTH DISEASE, AXONAL, AUTOSOMAL DOMINANT, TYPE 2V. Identifiers: Orphanet 447964, MedGen C5569050, MONDO:0014665, OMIM 616491.

Submission:

Labcorp Genetics (formerly Invitae), Labcorp
Classification: Uncertain significance for Charcot-Marie-Tooth disease axonal type 2V; Mucopolysaccharidosis, MPS-III-B. Last evaluated: 2021-05-03. Review status: criteria provided, single submitter. Criteria: Invitae Variant Classification Sherloc (09022015). Collection method: clinical testing. Allele origin: germline.
Comment: In summary, the available evidence is currently insufficient to determine the role of this variant in disease. Therefore, it has been classified as a Variant of Uncertain Significance. Advanced modeling of protein sequence and biophysical properties (such as structural, functional, and spatial information, amino acid conservation, physicochemical variation, residue mobility, and thermodynamic stability) performed at Invitae indicates that this missense variant is expected to disrupt NAGLU protein function. This variant has not been reported in the literature in individuals with NAGLU-related conditions. This variant is not present in population databases (ExAC no frequency). This sequence change replaces asparagine with lysine at codon 503 of the NAGLU protein (p.Asn503Lys). The asparagine residue is highly conserved and there is a moderate physicochemical difference between asparagine and lysine.

NM_000263.4(NAGLU):c.1509C>A (p.Asn503Lys)

Gene: NAGLU (N-acetyl-alpha-glucosaminidase; plus strand). Cytogenetic location: 17q21.2.
Variant type: single nucleotide variant.
Coding change: c.1509C>A on transcript NM_000263.4 (MANE Select); coding-DNA position 1509, C replaced by A.
Protein change: p.Asn503Lys; replaces asparagine 503 with lysine.
Molecular consequence: missense variant.
Genome position (GRCh38, 1-based): chr17:42,543,515, C>A. VCF-style: chr17-42543515-C-A. GRCh37 (hg19) VCF-style: chr17-40695533-C-A.
Other names: short protein forms N503K.
Identifiers: ClinVar variation 1446155 (VCV001446155.8), dbSNP rs781603010, ClinGen allele CA399604059.